The following is an entry in ClinVar:

NM_000410.4(HFE):c.753C>T (p.Phe251=)

Gene: HFE (homeostatic iron regulator; plus strand). Cytogenetic location: 6p22.2.
Variant type: single nucleotide variant.
Coding change: c.753C>T on transcript NM_000410.4 (MANE Select); coding-DNA position 753, C replaced by T.
Protein change: p.Phe251=; no amino-acid change (phenylalanine 251 retained).
Molecular consequence: synonymous variant. On other transcripts: intron variant (1).
Genome position (GRCh38, 1-based): chr6:26,092,821, C>T. VCF-style: chr6-26092821-C-T. GRCh37 (hg19) VCF-style: chr6-26093049-C-T.
Other names: c.753C>T, p.Phe251= (NM_001300749.3, NM_001384164.1); c.744C>T, p.Phe248= (NM_001406751.1); c.489C>T, p.Phe163= (NM_001406752.1, NM_139007.3); c.435C>T, p.Phe145= (NM_139003.3); c.477C>T, p.Phe159= (NM_139004.3); c.711C>T, p.Phe237= (NM_139006.3); c.447C>T, p.Phe149= (NM_139008.3); c.684C>T, p.Phe228= (NM_139009.3); and 2 more.
Identifiers: ClinVar variation 700798 (VCV000700798.35), dbSNP rs150402693, ClinGen allele CA449421002.

ClinVar aggregate classification (germline): Likely benign. Review status: criteria provided, multiple submitters, no conflicts (2 of 4 stars). 3 submissions from 3 submitters: Likely benign (3). Last evaluated 2025-12-29.

Conditions:
Hereditary hemochromatosis (HFE). Identifiers: MedGen C0392514, MONDO:0006507. Disease mechanism: loss of function.

Allele frequency attached by ClinVar (database versions not stated): gnomAD 0.00001; TOPMed 0.00001.

Submissions (3):

Labcorp Genetics (formerly Invitae), Labcorp
Classification: Likely benign for Hereditary hemochromatosis. Last evaluated: 2025-12-29. Review status: criteria provided, single submitter. Criteria: Invitae Variant Classification Sherloc (09022015). Collection method: clinical testing. Allele origin: germline.

CeGaT Center for Human Genetics Tuebingen
Classification: Likely benign. Last evaluated: 2023-07-01. Review status: criteria provided, single submitter. Criteria: CeGaT Center For Human Genetics Tuebingen Variant Classification Criteria Version 2. Collection method: clinical testing. Allele origin: germline. Affected: yes. Observed: 1 variant allele.
Comment: HFE: BP4, BP7

Blueprint Genetics
Classification: Likely benign. Last evaluated: 2023-03-23. Review status: criteria provided, single submitter. Criteria: ACMG Guidelines, 2015. Collection method: clinical testing. Allele origin: germline.